The following is an entry in ClinVar:

NM_001256627.2(BRSK2):c.1288-234G>A

Gene: BRSK2 (BR serine/threonine kinase 2; plus strand). Cytogenetic location: 11p15.5.
Variant type: single nucleotide variant.
Coding change: c.1288-234G>A on transcript NM_001256627.2 (MANE Select); 234 bases into the intron before coding-DNA position 1288, G replaced by A.
Molecular consequence: intron variant.
Genome position (GRCh38, 1-based): chr11:1,450,353, G>A. VCF-style: chr11-1450353-G-A. GRCh37 (hg19) VCF-style: chr11-1471583-G-A.
Other names: c.1288-234G>A (NM_001256629.2, NM_003957.4); c.1108-234G>A (NM_001282218.2); c.1426-234G>A (NM_001256630.1).
Identifiers: ClinVar variation 1694583 (VCV001694583.31), dbSNP rs576566778, ClinGen allele CA216134517.
Genomic context (GRCh38, chr11:1,450,353, plus strand): 5'-ACGGAGCCCGAAGCTTGTGGGAGCGCCTCGAGGCCTGGACACGTCCTCCCTCTGCAGGCC[G>A]CCCTGCGGCCCGACCCCAAGACCCAGACCTTGCCGTGCAAGGCCAAGCTGACCGACAAGC-3'

ClinVar aggregate classification (germline): Benign (1 of 4 stars; one submission).

Allele frequency attached by ClinVar (database versions not stated): 1000 Genomes Project 0.00080; TOPMed 0.00156; gnomAD 0.00172 and 0.00181.
gnomAD v4.1: 261 of 152,084 alleles (0.17%); highest among the groups gnomAD compares: Non-Finnish European, 0.3%; no homozygotes.

Submission:

CeGaT Center for Human Genetics Tuebingen
Classification: Benign. Last evaluated: 2022-05-01. Review status: criteria provided, single submitter. Criteria: CeGaT Center For Human Genetics Tuebingen Variant Classification Criteria Version 2. Collection method: clinical testing. Allele origin: germline. Affected: yes. Observed: 1 variant allele.
Comment: BRSK2: BS1, BS2